The following is an entry in ClinVar:

ClinVar aggregate classification (germline): Conflicting classifications of pathogenicity. Review status: criteria provided, conflicting classifications (1 of 4 stars). 3 submissions from 3 submitters: Likely pathogenic (2); Uncertain significance (1). Last evaluated 2026-01-20.

Conditions:
Noonan syndrome 2 (NS2). Identifiers: Orphanet 648, MedGen C1854469, MONDO:0011531, OMIM 605275.
Cardiovascular phenotype. Identifiers: MedGen CN230736.
Hereditary cancer-predisposing syndrome. Also called: Neoplastic Syndromes, Hereditary; Tumor predisposition; Hereditary neoplastic syndrome; Hereditary Cancer Syndrome. Identifiers: Orphanet 140162, MedGen C0027672, MeSH D009386, MONDO:0015356.

Allele frequency attached by ClinVar (database versions not stated): 1000 Genomes Project 30x 0.00031; 1000 Genomes Project 0.00040.
gnomAD v4.1: 7 of 1,585,694 alleles (0.00044%); highest among the groups gnomAD compares: African/African-American, 0.0013%; no homozygotes.

Submissions (3):

Dasa
Classification: Uncertain significance. Last evaluated: 2026-01-20. Review status: criteria provided, single submitter. Criteria: DASA Assertion Criteria. Collection method: clinical testing. Allele origin: germline.
Comment: NM_006767.4(LZTR1):c.1260+1G>T affects a canonical splice site and is predicted to disrupt normal RNA splicing. This variant is rare in population databases. The currently available literature and clinical evidence are not sufficient to establish a definitive association between this variant and the reported condition. Therefore, this variant is classified as a variant of uncertain significance.

Clinical Genomics Laboratory, Washington University in St. Louis
Classification: Likely pathogenic for Noonan syndrome 2. Last evaluated: 2024-06-07. Review status: criteria provided, single submitter. Criteria: ACMG Guidelines, 2015. Collection method: clinical testing. Allele origin: germline. Affected: yes.
Comment: The LZTR1 c.1260+1G>T variant, to our knowledge, has not been reported in the medical literature. This variant has been reported in the ClinVar database as a likely pathogenic variant in by one submitter. This variant is only observed on 1 out of 220,214 alleles in the general population (gnomAD v.2.1.1), indicating it is not a common variant. This variant occurs within the canonical splice donor site, which is predicted to cause skipping of the exon, leading to an in-frame transcript. Additionally, computational predictors indicate that this variant would alter splicing through an additional donor gain, evidence that correlates to an impact of this variant LZTR1 function. Other variants in the same residue, c.1260+1G>A and c.1260+1G>C, have been submitted to ClinVar as likely pathogenic (Variation ID: 1305284; 2068131). Based on available information and the ACMG/AMP guidelines for variant interpretation (Richards S et al., PMID: 25741868), this variant is classified as likely pathogenic.

Ambry Genetics
Classification: Likely pathogenic for Cardiovascular phenotype; Hereditary cancer-predisposing syndrome. Last evaluated: 2022-07-01. Review status: criteria provided, single submitter. Criteria: Ambry Variant Classification Scheme 2023. Collection method: clinical testing. Allele origin: germline.
Comment: The c.1260+1G>T intronic variant results from a G to T substitution one nucleotide after coding exon 11 of the LZTR1 gene. This nucleotide position is highly conserved in available vertebrate species. In silico splice site analysis predicts that this alteration will weaken the native splice donor site and may result in the creation or strengthening of a novel splice donor site; however, direct evidence is insufficient at this time (Ambry internal data). Alterations that disrupt the canonical splice site are expected to cause aberrant splicing, resulting in an abnormal protein or a transcript that is subject to nonsense-mediated mRNA decay. Based on the supporting evidence, this variant is likely pathogenic for an increased risk of nerve sheath tumors and would be expected to cause autosomal recessive Noonan syndrome when present along with a second pathogenic or likely pathogenic variant on the other allele.

NM_006767.4(LZTR1):c.1260+1G>T

Gene: LZTR1 (leucine zipper like post translational regulator 1; plus strand). Cytogenetic location: 22q11.21.
Variant type: single nucleotide variant.
Coding change: c.1260+1G>T on transcript NM_006767.4 (MANE Select); the canonical splice donor site of the intron after coding-DNA position 1260, G replaced by T.
Molecular consequence: splice donor variant.
Genome position (GRCh38, 1-based): chr22:20,992,905, G>T. VCF-style: chr22-20992905-G-T. GRCh37 (hg19) VCF-style: chr22-21347194-G-T.
Identifiers: ClinVar variation 1762861 (VCV001762861.5), dbSNP rs143868364, ClinGen allele CA10118773.